The following is an entry in ClinVar:

NM_001105206.3(LAMA4):c.2142T>A (p.Asp714Glu)

Gene: LAMA4 (laminin subunit alpha 4; minus strand). Cytogenetic location: 6q21.
Variant type: single nucleotide variant.
Coding change: c.2142T>A on transcript NM_001105206.3 (MANE Select); coding-DNA position 2142, T replaced by A.
Protein change: p.Asp714Glu; replaces aspartic acid 714 with glutamic acid.
Molecular consequence: missense variant.
Genome position (GRCh38, 1-based): chr6:112,150,542, A>T on the plus strand (T>A on the coding strand, the complement: LAMA4 is on the minus strand). VCF-style: chr6-112150542-A-T. GRCh37 (hg19) VCF-style: chr6-112471744-A-T.
Other names: c.2121T>A, p.Asp707Glu (NM_001105207.3, NM_002290.5); short protein forms D714E, D707E.
Identifiers: ClinVar variation 5000595 (VCV005000595.1).
Genomic context (GRCh38, chr6:112,150,542, plus strand): 5'-ATGAGACTTCAATTCTCTCTGATGCTTACCTCTCTCTGCTGCTTGTAGTTGCTTAACGGC[A>T]TCACTGAGTCTGGTTTTAAGGGCACTTTTCCTTGCTAGGGCTCCACCCACACGCCTGCTA-3'
Protein context (NP_001098676.2, residues 704-724): RKSALKTRLS[Asp714Glu]AVKQLQAAER

ClinVar aggregate classification (germline): Uncertain significance (1 of 4 stars; one submission).

Conditions:
LAMA4-related disorder. Also called: LAMA4-related condition.

Submission:

PreventionGenetics, part of Exact Sciences
Classification: Uncertain significance for LAMA4-related condition. Last evaluated: 2025-03-03. Review status: criteria provided, single submitter. Criteria: ACMG Guidelines, 2015. Collection method: clinical testing. Allele origin: germline.
Comment: The LAMA4 c.2121T>A variant is predicted to result in the amino acid substitution p.Asp707Glu. To our knowledge, this variant has not been reported in the literature or in a large population database (gnomAD), indicating this variant is rare. At this time, the clinical significance of this variant is uncertain due to the absence of conclusive functional and genetic evidence.